The following is an entry in ClinVar:

ClinVar aggregate classification (germline): Uncertain significance (1 of 4 stars; one submission).

Allele frequency attached by ClinVar (database versions not stated): ExAC 0.00001.
gnomAD v4.1: 7 of 1,573,326 alleles (0.00044%); highest among the groups gnomAD compares: Admixed American, 0.002%; no homozygotes.

Submission:

Labcorp Genetics (formerly Invitae), Labcorp
Classification: Uncertain significance. Last evaluated: 2022-12-08. Review status: criteria provided, single submitter. Criteria: Invitae Variant Classification Sherloc (09022015). Collection method: clinical testing. Allele origin: germline.
Comment: This sequence change replaces arginine, which is basic and polar, with tryptophan, which is neutral and slightly polar, at codon 2666 of the NBEA protein (p.Arg2666Trp). The frequency data for this variant in the population databases is considered unreliable, as metrics indicate poor data quality at this position in the gnomAD database. This variant has not been reported in the literature in individuals affected with NBEA-related conditions. Advanced modeling of protein sequence and biophysical properties (such as structural, functional, and spatial information, amino acid conservation, physicochemical variation, residue mobility, and thermodynamic stability) performed at Invitae indicates that this missense variant is expected to disrupt NBEA protein function. In summary, the available evidence is currently insufficient to determine the role of this variant in disease. Therefore, it has been classified as a Variant of Uncertain Significance.

NM_001385012.1(NBEA):c.8059C>T (p.Arg2687Trp)

Gene: NBEA (neurobeachin; plus strand). Cytogenetic location: 13q13.3.
Variant type: single nucleotide variant.
Coding change: c.8059C>T on transcript NM_001385012.1 (MANE Select); coding-DNA position 8059, C replaced by T.
Protein change: p.Arg2687Trp; replaces arginine 2687 with tryptophan.
Molecular consequence: missense variant.
Genome position (GRCh38, 1-based): chr13:35,654,878, C>T. VCF-style: chr13-35654878-C-T. GRCh37 (hg19) VCF-style: chr13-36229015-C-T.
Other names: c.1375C>T, p.Arg459Trp (NM_001204197.3); c.8050C>T, p.Arg2684Trp (NM_001379245.1); c.7996C>T, p.Arg2666Trp (NM_015678.5); short protein forms R2684W, R459W, R2666W, R2687W.
Identifiers: ClinVar variation 2819506 (VCV002819506.3), dbSNP rs371745545, ClinGen allele CA6947905.